The following is an entry in ClinVar:

NM_005251.3(FOXC2):c.1400G>A (p.Gly467Glu)

Gene: FOXC2 (forkhead box C2; plus strand). Cytogenetic location: 16q24.1.
Variant type: single nucleotide variant.
Coding change: c.1400G>A on transcript NM_005251.3 (MANE Select); coding-DNA position 1400, G replaced by A.
Protein change: p.Gly467Glu; replaces glycine 467 with glutamic acid.
Molecular consequence: missense variant.
Genome position (GRCh38, 1-based): chr16:86,568,735, G>A. VCF-style: chr16-86568735-G-A. GRCh37 (hg19) VCF-style: chr16-86602341-G-A.
Other names: short protein forms G467E.
Identifiers: ClinVar variation 2217666 (VCV002217666.4), dbSNP rs1435806729, ClinGen allele CA397010093.

ClinVar aggregate classification (germline): Uncertain significance. Review status: criteria provided, multiple submitters, no conflicts (2 of 4 stars). 2 submissions from 2 submitters: Uncertain significance (2). Last evaluated 2024-07-23.

Conditions:
Inborn genetic diseases. Identifiers: MedGen C0950123, MeSH D030342.

Allele frequency attached by ClinVar (database versions not stated): gnomAD exomes below 0.00001.
gnomAD v4.1: 1 of 1,612,924 alleles (0.000062%); highest among the groups gnomAD compares: Non-Finnish European, 0.000085%; no homozygotes.

Submissions (2):

Labcorp Genetics (formerly Invitae), Labcorp
Classification: Uncertain significance. Last evaluated: 2024-07-23. Review status: criteria provided, single submitter. Criteria: Invitae Variant Classification Sherloc (09022015). Collection method: clinical testing. Allele origin: germline.
Comment: This sequence change replaces glycine, which is neutral and non-polar, with glutamic acid, which is acidic and polar, at codon 467 of the FOXC2 protein (p.Gly467Glu). This variant is not present in population databases (gnomAD no frequency). This variant has not been reported in the literature in individuals affected with FOXC2-related conditions. ClinVar contains an entry for this variant (Variation ID: 2217666). An algorithm developed to predict the effect of missense changes on protein structure and function (PolyPhen-2) suggests that this variant is likely to be tolerated. In summary, the available evidence is currently insufficient to determine the role of this variant in disease. Therefore, it has been classified as a Variant of Uncertain Significance.

Ambry Genetics
Classification: Uncertain significance for Inborn genetic diseases. Last evaluated: 2021-08-10. Review status: criteria provided, single submitter. Criteria: Ambry Variant Classification Scheme 2023. Collection method: clinical testing. Allele origin: germline.